The following is an entry in ClinVar:

NM_000038.6(APC):c.6253A>G (p.Arg2085Gly)

Gene: APC (APC regulator of Wnt signaling pathway; plus strand). Cytogenetic location: 5q22.2.
Variant type: single nucleotide variant.
Coding change: c.6253A>G on transcript NM_000038.6 (MANE Select); coding-DNA position 6253, A replaced by G.
Protein change: p.Arg2085Gly; replaces arginine 2085 with glycine.
Molecular consequence: missense variant. On other transcripts: non-coding transcript variant (2).
Genome position (GRCh38, 1-based): chr5:112,841,847, A>G. VCF-style: chr5-112841847-A-G. GRCh37 (hg19) VCF-style: chr5-112177544-A-G.
Other names: c.6253A>G, p.Arg2085Gly (NM_001127510.3, NM_001354895.2, NM_001407450.1); c.6199A>G, p.Arg2067Gly (NM_001127511.3); c.6307A>G, p.Arg2103Gly (NM_001354896.2, NM_001407447.1, NM_001407448.1 and 1 more transcripts); c.6283A>G, p.Arg2095Gly (NM_001354897.2); c.6178A>G, p.Arg2060Gly (NM_001354898.2); c.6169A>G, p.Arg2057Gly (NM_001354899.2); c.6130A>G, p.Arg2044Gly (NM_001354900.2); c.6076A>G, p.Arg2026Gly (NM_001354901.2, NM_001407453.1); and 11 more; short protein forms R1802G, R1959G, R2044G, R2057G, R2095G, R1925G, R2002G, R1956G.
Identifiers: ClinVar variation 4576279 (VCV004576279.1).

ClinVar aggregate classification (germline): Uncertain significance (1 of 4 stars; one submission).

Conditions:
Hereditary cancer-predisposing syndrome. Also called: Neoplastic Syndromes, Hereditary; Tumor predisposition; Hereditary Cancer Syndrome; Hereditary neoplastic syndrome. Identifiers: Orphanet 140162, MedGen C0027672, MeSH D009386, MONDO:0015356.

Submission:

Ambry Genetics
Classification: Uncertain significance for Hereditary cancer-predisposing syndrome. Last evaluated: 2025-09-17. Review status: criteria provided, single submitter. Criteria: Ambry Variant Classification Scheme 2023. Collection method: clinical testing. Allele origin: germline.
Comment: The p.R2085G variant (also known as c.6253A>G), located in coding exon 15 of the APC gene, results from an A to G substitution at nucleotide position 6253. The arginine at codon 2085 is replaced by glycine, an amino acid with dissimilar properties. This amino acid position is conserved. In addition, in silico predictors for this gene do not accurately predict pathogenicity. Based on the available evidence, the clinical significance of this variant remains unclear.